The following is an entry in ClinVar:

ClinVar aggregate classification (germline): Uncertain significance (1 of 4 stars; one submission).

Submission:

GeneDx
Classification: Uncertain significance. Last evaluated: 2026-04-17. Review status: criteria provided, single submitter. Criteria: GeneDx Variant Classification Process June 2021. Collection method: clinical testing. Allele origin: germline.
Comment: Not observed at significant frequency in large population cohorts (gnomAD); In silico analysis supports that this missense variant has a deleterious effect on protein structure/function; Has not been previously published as pathogenic or benign to our knowledge

NM_014991.6(WDFY3):c.2799G>C (p.Gln933His)

Genes: WDFY3 (WD repeat and FYVE domain containing 3; minus strand), WDFY3-AS1 (WDFY3 antisense RNA 1; plus strand). Cytogenetic location: 4q21.23.
Variant type: single nucleotide variant.
Coding change: c.2799G>C on transcript NM_014991.6 (MANE Select); coding-DNA position 2799, G replaced by C.
Protein change: p.Gln933His; replaces glutamine 933 with histidine.
Molecular consequence: missense variant.
Genome position (GRCh38, 1-based): chr4:84,801,673, C>G on the plus strand (G>C on the coding strand, the complement: WDFY3 is on the minus strand). VCF-style: chr4-84801673-C-G. GRCh37 (hg19) VCF-style: chr4-85722826-C-G.
Other names: short protein forms Q933H.
Identifiers: ClinVar variation 5037364 (VCV005037364.1).